The following is an entry in ClinVar:

NM_001257096.2(PAX1):c.276G>T (p.Pro92=)

Gene: PAX1 (paired box 1; plus strand). Cytogenetic location: 20p11.22.
Variant type: single nucleotide variant.
Coding change: c.276G>T on transcript NM_001257096.2 (MANE Select); coding-DNA position 276, G replaced by T.
Protein change: p.Pro92=; no amino-acid change (proline 92 retained).
Molecular consequence: synonymous variant.
Genome position (GRCh38, 1-based): chr20:21,705,988, G>T. VCF-style: chr20-21705988-G-T. GRCh37 (hg19) VCF-style: chr20-21686626-G-T.
Other names: c.276G>T, p.Pro92= (NM_006192.5); c.276G>T (NM_006192.4).
Identifiers: ClinVar variation 1643336 (VCV001643336.10), dbSNP rs1002353389, ClinGen allele CA313027393.

ClinVar aggregate classification (germline): Likely benign. Review status: criteria provided, single submitter (1 of 4 stars). 2 submissions from 2 submitters: Likely benign (1). 1 of the submissions does not count toward it. Last evaluated 2026-01-21.

Conditions:
PAX1-related disorder. Also called: PAX1-related condition.

gnomAD v4.1: 140 of 1,474,848 alleles (0.0095%); highest among the groups gnomAD compares: Middle Eastern, 0.024%; no homozygotes.

Submissions (2):

Labcorp Genetics (formerly Invitae), Labcorp
Classification: Likely benign. Last evaluated: 2026-01-21. Review status: criteria provided, single submitter. Criteria: Invitae Variant Classification Sherloc (09022015). Collection method: clinical testing. Allele origin: germline.

PreventionGenetics, part of Exact Sciences
Classification: Likely benign for PAX1-related condition. Last evaluated: 2019-03-20. Review status: no assertion criteria provided. Collection method: clinical testing. Allele origin: germline. Not counted in ClinVar's aggregate classification.
Comment: This variant is classified as likely benign based on ACMG/AMP sequence variant interpretation guidelines (Richards et al. 2015 PMID: 25741868, with internal and published modifications).